The following is an entry in ClinVar:

NM_024675.4(PALB2):c.1145G>T (p.Ser382Ile)

Gene: PALB2 (partner and localizer of BRCA2; minus strand). Cytogenetic location: 16p12.2.
Variant type: single nucleotide variant.
Coding change: c.1145G>T on transcript NM_024675.4 (MANE Select); coding-DNA position 1145, G replaced by T.
Protein change: p.Ser382Ile; replaces serine 382 with isoleucine.
Molecular consequence: missense variant.
Genome position (GRCh38, 1-based): chr16:23,635,401, C>A on the plus strand (G>T on the coding strand, the complement: PALB2 is on the minus strand). VCF-style: chr16-23635401-C-A. GRCh37 (hg19) VCF-style: chr16-23646722-C-A.
Other names: short protein forms S382I.
Identifiers: ClinVar variation 126591 (VCV000126591.37), dbSNP rs515726063, ClinGen allele CA269483.
Genomic context (GRCh38, chr16:23,635,401, plus strand): 5'-AGGCCTTCAGGCACTGTGCAAGAATGTTTTTCTGCAGAAAGAGGAGAGGTTGCTTCCAGG[C>A]TAAGACTCTTAGGTTGACTTAGAATCTCACTTTCCTGAAGATTTTCATTCCTGCCATCAA-3'
Protein context (NP_078951.2, residues 372-392): SEILSQPKSL[Ser382Ile]LEATSPLSAE

ClinVar aggregate classification (germline): Conflicting classifications of pathogenicity. Review status: criteria provided, conflicting classifications (1 of 4 stars). 12 submissions from 12 submitters: Uncertain significance (8); Likely benign (2). 2 of the submissions do not count toward it. Last evaluated 2026-01-11.

Conditions:
PALB2-related disorder. Also called: PALB2-related disorders; PALB2-related condition.
Hereditary cancer-predisposing syndrome. Also called: Neoplastic Syndromes, Hereditary; Tumor predisposition; Hereditary Cancer Syndrome; Hereditary neoplastic syndrome. Identifiers: Orphanet 140162, MedGen C0027672, MeSH D009386, MONDO:0015356.
Familial cancer of breast. Also called: hereditary breast carcinoma; Hereditary breast cancer; BREAST CANCER, FAMILIAL. Identifiers: Orphanet 227535, MedGen C0346153, MONDO:0016419, OMIM 114480. Disease mechanism: loss of function.
Fanconi anemia complementation group N. Also called: PALB2-Related Fanconi Anemia. Identifiers: Orphanet 84, MedGen C1835817, MONDO:0012565, OMIM 610832. Disease mechanism: loss of function.
Pancreatic cancer, susceptibility to, 3. Identifiers: Orphanet 1333, MedGen C3150547, MONDO:0013236, OMIM 613348.

Allele frequency attached by ClinVar (database versions not stated): TOPMed below 0.00001; ExAC 0.00001; gnomAD 0.00001; gnomAD exomes 0.00002.
gnomAD v4.1: 29 of 1,613,934 alleles (0.0018%); highest among the groups gnomAD compares: Non-Finnish European, 0.0019%; no homozygotes.

Submissions (12):

Labcorp Genetics (formerly Invitae), Labcorp
Classification: Uncertain significance for Familial cancer of breast. Last evaluated: 2026-01-11. Review status: criteria provided, single submitter. Criteria: Invitae Variant Classification Sherloc (09022015). Collection method: clinical testing. Allele origin: germline.
Comment: This sequence change replaces serine, which is neutral and polar, with isoleucine, which is neutral and non-polar, at codon 382 of the PALB2 protein (p.Ser382Ile). This variant is present in population databases (rs515726063, gnomAD 0.004%). This missense change has been observed in individual(s) with breast or ovarian cancer (PMID: 22241545, 26283626, 26315354). ClinVar contains an entry for this variant (Variation ID: 126591). Invitae Evidence Modeling of protein sequence and biophysical properties (such as structural, functional, and spatial information, amino acid conservation, physicochemical variation, residue mobility, and thermodynamic stability) indicates that this missense variant is not expected to disrupt PALB2 protein function with a negative predictive value of 80%. Experimental studies have shown that this missense change does not substantially affect PALB2 function (PMID: 31636395). In summary, the available evidence is currently insufficient to determine the role of this variant in disease. Therefore, it has been classified as a Variant of Uncertain Significance.

PreventionGenetics, part of Exact Sciences
Classification: Uncertain significance for PALB2-related condition. Last evaluated: 2025-09-30. Review status: criteria provided, single submitter. Criteria: ACMG Guidelines, 2015. Collection method: clinical testing. Allele origin: germline.
Comment: The PALB2 c.1145G>T variant is predicted to result in the amino acid substitution p.Ser382Ile. This variant has been reported in individuals with breast cancer or ovarian cancer (Supplementary Table 4, Ramus et al. 2015. PubMed ID: 26315354; Thompson et al. 2015. PubMed ID: 26283626). However, this variant has also been reported in control populations (Table S1, Tischkowitz et al. 2012. PubMed ID: 22241545). A functional study has shown that this variant does not impact homology-directed repair activity of the PALB2 protein (Wiltshire et al. 2020. PubMed ID: 31636395). This variant is reported in 0.0040% of alleles in individuals of European (Finnish) descent in gnomAD and is reported as uncertain in ClinVar (Variation ID: 126591). At this time, the clinical significance of this variant is uncertain due to the absence of conclusive functional and genetic evidence.

Ambry Genetics
Classification: Likely benign for Hereditary cancer-predisposing syndrome. Last evaluated: 2025-05-28. Review status: criteria provided, single submitter. Criteria: Ambry Variant Classification Scheme 2023. Collection method: clinical testing. Allele origin: germline.

GeneDx
Classification: Uncertain significance. Last evaluated: 2025-04-11. Review status: criteria provided, single submitter. Criteria: GeneDx Variant Classification Process June 2021. Collection method: clinical testing. Allele origin: germline. Affected: yes.
Comment: Observed in individuals with breast/ovarian cancer and also in controls (PMID: 22241545, 26283626, 28779002); Published functional studies suggest no damaging effect: HDR activity comparable to wild type (PMID: 31636395); Not observed at significant frequency in large population cohorts (gnomAD); In silico analysis supports that this missense variant has a deleterious effect on protein structure/function; This variant is associated with the following publications: (PMID: 22241545, 28779002, 26283626, 26315354, 31636395)

Color Diagnostics, LLC DBA Color Health
Classification: Uncertain significance for Hereditary cancer-predisposing syndrome. Last evaluated: 2024-02-27. Review status: criteria provided, single submitter. Criteria: ACMG Guidelines, 2015. Collection method: clinical testing. Allele origin: germline.
Comment: This missense variant replaces serine with isoleucine at codon 382 of the PALB2 protein. Computational prediction suggests that this variant may not impact protein structure and function. A functional study has shown that this variant does not affect homology-directed repair activity of the PALB2 protein (PMID: 31636395). This variant has been reported in individuals affected with breast cancer (PMID: 22241545, 26283626) and ovarian cancer (PMID: 26315354). This variant has not shown a significant association with breast cancer in a large case-control study (OR=2.21, 95%CI 0.429 to 11.394, p-value=0.459; PMID: 33471991). This variant has also been identified in 5/282604 chromosomes in the general population by the Genome Aggregation Database (gnomAD). The available evidence is insufficient to determine the role of this variant in disease conclusively. Therefore, this variant is classified as a Variant of Uncertain Significance.

Myriad Genetics, Inc.
Classification: Likely benign for Familial cancer of breast. Last evaluated: 2023-04-03. Review status: criteria provided, single submitter. Criteria: Myriad Autosomal Dominant, Autosomal Recessive and X-Linked Classification Criteria (2023). Collection method: clinical testing. Allele origin: unknown.
Comment: This variant is considered likely benign. This variant is strongly associated with less severe personal and family histories of cancer, typical for individuals without pathogenic variants in this gene [PMID: 25085752].

Fulgent Genetics
Classification: Uncertain significance for Familial cancer of breast; Fanconi anemia complementation group N; Pancreatic cancer, susceptibility to, 3. Last evaluated: 2021-12-16. Review status: criteria provided, single submitter. Criteria: ACMG Guidelines, 2015. Collection method: clinical testing. Allele origin: unknown.

Sema4
Classification: Uncertain significance for Hereditary cancer-predisposing syndrome. Last evaluated: 2021-11-29. Review status: criteria provided, single submitter. Criteria: Sema4 Curation Guidelines. Collection method: curation. Allele origin: germline.
Comment: The PALB2 c.1145G>T (p.S382I) variant has been reported in heterozygosity in at least 3 individuals with epithelial ovarian cancer, unilateral breast cancer, and high-risk breast cancer (PMID 26315354, 22241545, 26283626). This variant was observed in 5/282604 chromosomes across all populations, with no homozygotes, in the large and broad populations by the Genome Aggregation Database (PMID: 32461654). The variant has been reported in ClinVar (Variation ID 126591). The functional studies using the homology-directed DNA repair (HDR) assay report that the variant is functionally normal (PMID 31636395), These data are supported by in silico tools, which predict the variant to be benign to protein function. The overall evidence is insufficient to meet ACMG/AMP criteria for classifying it as benign or pathogenic. In summary, the clinical significance of this variant is currently uncertain.

Quest Diagnostics Nichols Institute San Juan Capistrano
Classification: Uncertain significance. Last evaluated: 2021-04-19. Review status: criteria provided, single submitter. Criteria: Quest Diagnostics criteria. Collection method: clinical testing. Allele origin: unknown.

Cancer Genetics Laboratory, Peter MacCallum Cancer Centre
Classification: Uncertain significance for Familial cancer of breast. Last evaluated: 2015-06-01. Review status: criteria provided, single submitter. Criteria: Thompson et al. (Breast Cancer Res. 2015). Collection method: case-control. Allele origin: germline. Affected: yes. Observed: 1 variant allele, 1 heterozygote.

Leiden Open Variation Database
Classification: Uncertain significance for Familial cancer of breast. Last evaluated: 2019-05-13. Review status: no assertion criteria provided. Collection method: curation. Allele origin: germline. Affected: yes. Not counted in ClinVar's aggregate classification.
Comment: Curators: Marc Tischkowitz, Arleen D. Auerbach. Submitter to LOVD: Marc Tischkowitz.

Counsyl
Classification: Uncertain significance for Familial cancer of breast. Last evaluated: 2015-12-30. Review status: no assertion criteria provided. Collection method: clinical testing. Allele origin: unknown. Not counted in ClinVar's aggregate classification.

Literature cited by the submitters: PubMed 22241545 (cited by 7 submitters); PubMed 26283626 (cited by 6 submitters); PubMed 26315354 (cited by 6 submitters); PubMed 31636395 (cited by 5 submitters); PubMed 28779002 (cited by Ambry Genetics); PubMed 29641532 (cited by Ambry Genetics); PubMed 35884425 (cited by Ambry Genetics); PubMed 25085752 (cited by Myriad Genetics, Inc.).